The following is an entry in ClinVar:

NM_006725.5(CD6):c.1815C>T (p.Ala605=)

Gene: CD6 (CD6 molecule; plus strand). Cytogenetic location: 11q12.2.
Variant type: single nucleotide variant.
Coding change: c.1815C>T on transcript NM_006725.5 (MANE Select); coding-DNA position 1815, C replaced by T.
Protein change: p.Ala605=; no amino-acid change (alanine 605 retained).
Molecular consequence: synonymous variant. On other transcripts: non-coding transcript variant (1).
Genome position (GRCh38, 1-based): chr11:61,017,991, C>T. VCF-style: chr11-61017991-C-T. GRCh37 (hg19) VCF-style: chr11-60785463-C-T.
Other names: c.1719C>T, p.Ala573= (NM_001254750.2); c.1692C>T, p.Ala564= (NM_001254751.2).
Identifiers: ClinVar variation 3059147 (VCV003059147.2), dbSNP rs12417503, ClinGen allele CA6030325.

ClinVar aggregate classification (germline): Benign (0 of 4 stars; one submission).

Conditions:
CD6-related disorder. Also called: CD6-related condition.

Allele frequency attached by ClinVar (database versions not stated): 1000 Genomes Project 0.08906; 1000 Genomes Project 30x 0.09213; ExAC 0.13599; ESP Exome Variant Server 0.14293; gnomAD 0.14364.
gnomAD v4.1: 263,630 of 1,611,658 alleles (16%); highest among the groups gnomAD compares: Non-Finnish European, 19%; 23,535 homozygotes.

Submission:

PreventionGenetics, part of Exact Sciences
Classification: Benign for CD6-related condition. Last evaluated: 2019-12-03. Review status: no assertion criteria provided. Collection method: clinical testing. Allele origin: germline.
Comment: This variant is classified as benign based on ACMG/AMP sequence variant interpretation guidelines (Richards et al. 2015 PMID: 25741868, with internal and published modifications).